The following is an entry in ClinVar:

NM_004168.4(SDHA):c.334G>A (p.Gly112Arg)

Gene: SDHA (succinate dehydrogenase complex flavoprotein subunit A; plus strand). Cytogenetic location: 5p15.33.
Variant type: single nucleotide variant.
Coding change: c.334G>A on transcript NM_004168.4 (MANE Select); coding-DNA position 334, G replaced by A.
Protein change: p.Gly112Arg; replaces glycine 112 with arginine.
Molecular consequence: missense variant. On other transcripts: intron variant (1).
Genome position (GRCh38, 1-based): chr5:225,440, G>A. VCF-style: chr5-225440-G-A. GRCh37 (hg19) VCF-style: chr5-225555-G-A.
Other names: c.334G>A (NM_004168.2); c.334G>A, p.Gly112Arg (NM_001330758.2); c.313-443G>A (NM_001294332.2); short protein forms G112R.
Identifiers: ClinVar variation 412371 (VCV000412371.11), dbSNP rs751114575, ClinGen allele CA3172802.
Genomic context (GRCh38, chr5:225,440, plus strand): 5'-TCCTGTTTGTGGCTTGTAAGGAGTGGTTGGTGTTTCCAGGGAGGAATCAATGCTGCTCTG[G>A]GGAACATGGAGGAGGACAACTGGAGGTGGCATTTCTACGACACCGTGAAGGGCTCCGACT-3'
Protein context (NP_004159.2, residues 102-122): AAQGGINAAL[Gly112Arg]NMEEDNWRWH

ClinVar aggregate classification (germline): Uncertain significance. Review status: criteria provided, multiple submitters, no conflicts (2 of 4 stars). 2 submissions from 2 submitters: Uncertain significance (2). Last evaluated 2024-02-22.

Conditions:
Mitochondrial complex II deficiency, nuclear type 1. Also called: SUCCINATE CoQ REDUCTASE DEFICIENCY. Identifiers: Orphanet 3208, MedGen C5700310, MONDO:0100294, OMIM 252011.
Pheochromocytoma/paraganglioma syndrome 5. Also called: SDHA-Related Hereditary Paraganglioma-Pheochromocytoma Syndrome; Paragangliomas 5. Identifiers: Orphanet 29072, MedGen C3279992, MONDO:0013602, OMIM 614165.
Hereditary cancer-predisposing syndrome. Also called: Neoplastic Syndromes, Hereditary; Hereditary Cancer Syndrome; Tumor predisposition; Hereditary neoplastic syndrome. Identifiers: Orphanet 140162, MedGen C0027672, MeSH D009386, MONDO:0015356.

Allele frequency attached by ClinVar (database versions not stated): gnomAD exomes below 0.00001; ExAC 0.00001.
gnomAD v4.1: 1 of 1,612,872 alleles (0.000062%); highest among the groups gnomAD compares: South Asian, 0.0011%; no homozygotes.

Submissions (2):

Ambry Genetics
Classification: Uncertain significance for Hereditary cancer-predisposing syndrome. Last evaluated: 2024-02-22. Review status: criteria provided, single submitter. Criteria: Ambry Variant Classification Scheme 2023. Collection method: clinical testing. Allele origin: germline.
Comment: The p.G112R variant (also known as c.334G>A), located in coding exon 4 of the SDHA gene, results from a G to A substitution at nucleotide position 334. The glycine at codon 112 is replaced by arginine, an amino acid with dissimilar properties. This amino acid position is highly conserved in available vertebrate species. In addition, this alteration is predicted to be deleterious by in silico analysis. Based on the available evidence, the clinical significance of this alteration remains unclear.

Labcorp Genetics (formerly Invitae), Labcorp
Classification: Uncertain significance for Pheochromocytoma/paraganglioma syndrome 5; Mitochondrial complex II deficiency, nuclear type 1. Last evaluated: 2021-09-01. Review status: criteria provided, single submitter. Criteria: Invitae Variant Classification Sherloc (09022015). Collection method: clinical testing. Allele origin: germline.
Comment: This sequence change replaces glycine with arginine at codon 112 of the SDHA protein (p.Gly112Arg). The glycine residue is highly conserved and there is a moderate physicochemical difference between glycine and arginine. This variant is present in population databases (rs751114575, ExAC 0.006%). This variant has not been reported in the literature in individuals affected with SDHA-related conditions. Algorithms developed to predict the effect of missense changes on protein structure and function (SIFT, PolyPhen-2, Align-GVGD) all suggest that this variant is likely to be disruptive. In summary, the available evidence is currently insufficient to determine the role of this variant in disease. Therefore, it has been classified as a Variant of Uncertain Significance.